The following is an entry in ClinVar:

NM_001366145.2(TRPM3):c.4681G>C (p.Asp1561His)

Genes: KLF9-DT (KLF9 divergent transcript; plus strand), TRPM3 (transient receptor potential cation channel subfamily M member 3; minus strand). Cytogenetic location: 9q21.12.
Variant type: single nucleotide variant.
Coding change: c.4681G>C on transcript NM_001366145.2 (MANE Select); coding-DNA position 4681, G replaced by C.
Protein change: p.Asp1561His; replaces aspartic acid 1561 with histidine.
Molecular consequence: missense variant. On other transcripts: intron variant (8).
Genome position (GRCh38, 1-based): chr9:70,536,432, C>G on the plus strand (G>C on the coding strand, the complement: TRPM3 is on the minus strand). VCF-style: chr9-70536432-C-G. GRCh37 (hg19) VCF-style: chr9-73151348-C-G.
Other names: c.4645G>C, p.Asp1549His (NM_001007471.4); c.4651G>C, p.Asp1551His (NM_001366141.2, NM_001366149.2); c.4756G>C, p.Asp1586His (NM_001366147.2); c.4186G>C, p.Asp1396His (NM_020952.6); c.4222G>C, p.Asp1408His (NM_024971.7); c.4156G>C, p.Asp1386His (NM_206944.5); c.4192G>C, p.Asp1398His (NM_206945.5); c.4261G>C, p.Asp1421His (NM_206946.5); and 9 more; short protein forms D1411H, D1421H, D1561H, D1398H, D1408H, D1551H, D1586H, D1386H.
Identifiers: ClinVar variation 4795592 (VCV004795592.1).

ClinVar aggregate classification (germline): Uncertain significance (1 of 4 stars; one submission).

Submission:

GeneDx
Classification: Uncertain significance. Last evaluated: 2025-08-13. Review status: criteria provided, single submitter. Criteria: GeneDx Variant Classification Process June 2021. Collection method: clinical testing. Allele origin: germline. Affected: yes.
Comment: Not observed at significant frequency in large population cohorts (gnomAD); In silico analysis supports that this missense variant has a deleterious effect on protein structure/function; Has not been previously published as pathogenic or benign to our knowledge